The following is an entry in ClinVar:

NM_015512.5(DNAH1):c.11256C>A (p.Asp3752Glu)

Gene: DNAH1 (dynein axonemal heavy chain 1; plus strand). Cytogenetic location: 3p21.1.
Variant type: single nucleotide variant.
Coding change: c.11256C>A on transcript NM_015512.5 (MANE Select); coding-DNA position 11256, C replaced by A.
Protein change: p.Asp3752Glu; replaces aspartic acid 3752 with glutamic acid.
Molecular consequence: missense variant.
Genome position (GRCh38, 1-based): chr3:52,395,675, C>A. VCF-style: chr3-52395675-C-A. GRCh37 (hg19) VCF-style: chr3-52429691-C-A.
Other names: c.11256C>A (NM_015512.4); short protein forms D3752E.
Identifiers: ClinVar variation 3757431 (VCV003757431.3).

ClinVar aggregate classification (germline): Uncertain significance. Review status: criteria provided, multiple submitters, no conflicts (2 of 4 stars). 2 submissions from 2 submitters: Uncertain significance (2). Last evaluated 2025-09-25.

Conditions:
Spermatogenic failure 18. Identifiers: MedGen C4539783, MONDO:0054615, OMIM 617576.
Ciliary dyskinesia, primary, 37 (CILD37). Also called: CILIARY DYSKINESIA, PRIMARY, 37, WITH OR WITHOUT SITUS INVERSUS. Identifiers: MedGen C4539798, MONDO:0033204, OMIM 617577.

gnomAD v4.1: 1 of 1,613,246 alleles (0.000062%); highest among the groups gnomAD compares: Non-Finnish European, 0.000085%; no homozygotes.

Submissions (2):

Ambry Genetics
Classification: Uncertain significance. Last evaluated: 2025-09-25. Review status: criteria provided, single submitter. Criteria: Ambry Variant Classification Scheme 2023. Collection method: clinical testing. Allele origin: germline.

Labcorp Genetics (formerly Invitae), Labcorp
Classification: Uncertain significance for Ciliary dyskinesia, primary, 37; Spermatogenic failure 18. Last evaluated: 2024-03-18. Review status: criteria provided, single submitter. Criteria: Invitae Variant Classification Sherloc (09022015). Collection method: clinical testing. Allele origin: germline.
Comment: This sequence change replaces aspartic acid, which is acidic and polar, with glutamic acid, which is acidic and polar, at codon 3752 of the DNAH1 protein (p.Asp3752Glu). This variant is present in population databases (rs769965685, gnomAD 0.007%). This variant has not been reported in the literature in individuals affected with DNAH1-related conditions. An algorithm developed to predict the effect of missense changes on protein structure and function (PolyPhen-2) suggests that this variant is likely to be tolerated. In summary, the available evidence is currently insufficient to determine the role of this variant in disease. Therefore, it has been classified as a Variant of Uncertain Significance.